The following is an entry in ClinVar:

NM_000245.4(MET):c.612T>C (p.Ser204=)

Gene: MET (MET proto-oncogene, receptor tyrosine kinase; plus strand). Cytogenetic location: 7q31.2.
Variant type: single nucleotide variant.
Coding change: c.612T>C on transcript NM_000245.4 (MANE Select); coding-DNA position 612, T replaced by C.
Protein change: p.Ser204=; no amino-acid change (serine 204 retained).
Molecular consequence: synonymous variant. On other transcripts: intron variant (1).
Genome position (GRCh38, 1-based): chr7:116,699,696, T>C. VCF-style: chr7-116699696-T-C. GRCh37 (hg19) VCF-style: chr7-116339750-T-C.
Other names: c.612T>C, p.Ser204= (NM_001127500.3, NM_001324401.3); c.-91+27119T>C (NM_001324402.2).
Identifiers: ClinVar variation 1751793 (VCV001751793.8), dbSNP rs2116593289, ClinGen allele CA457447800.
Genomic context (GRCh38, chr7:116,699,696, plus strand): 5'-CCTTTCATCTGTAAAGGACCGGTTCATCAACTTCTTTGTAGGCAATACCATAAATTCTTC[T>C]TATTTCCCAGATCATCCATTGCATTCGATATCAGTGAGAAGGCTAAAGGAAACGAAAGAT-3'
Protein context (NP_000236.2, residues 194-214): NFFVGNTINS[Ser204=]YFPDHPLHSI

ClinVar aggregate classification (germline): Benign/Likely benign. Review status: criteria provided, multiple submitters, no conflicts (2 of 4 stars). 3 submissions from 3 submitters: Benign (1); Likely benign (2). Last evaluated 2024-11-06.

Conditions:
Renal cell carcinoma. Identifiers: Orphanet 217071, MedGen C0007134, MeSH D002292, MONDO:0005086, HP:0005584.
Hereditary cancer-predisposing syndrome. Also called: Hereditary Cancer Syndrome; Hereditary neoplastic syndrome; Neoplastic Syndromes, Hereditary; Tumor predisposition. Identifiers: Orphanet 140162, MedGen C0027672, MeSH D009386, MONDO:0015356.
Papillary renal cell carcinoma type 1 (RCCP1). Also called: RENAL CELL CARCINOMA, PAPILLARY, 1, SOMATIC; Renal adenocarcinoma; Renal cell carcinoma 1; Renal cell carcinoma, somatic. Identifiers: Orphanet 47044, MedGen C1336839, OMIM 605074, HP:0011797.

Submissions (3):

Myriad Genetics, Inc.
Classification: Benign for Papillary renal cell carcinoma type 1. Last evaluated: 2024-11-06. Review status: criteria provided, single submitter. Criteria: Myriad Autosomal Dominant, Autosomal Recessive and X-Linked Classification Criteria (2023). Collection method: clinical testing. Allele origin: unknown.
Comment: This variant is considered benign. This variant is a silent/synonymous amino acid change and it is not expected to impact splicing.

Labcorp Genetics (formerly Invitae), Labcorp
Classification: Likely benign for Renal cell carcinoma. Last evaluated: 2022-04-20. Review status: criteria provided, single submitter. Criteria: Invitae Variant Classification Sherloc (09022015). Collection method: clinical testing. Allele origin: germline.

Ambry Genetics
Classification: Likely benign for Hereditary cancer-predisposing syndrome. Last evaluated: 2022-04-19. Review status: criteria provided, single submitter. Criteria: Ambry Variant Classification Scheme 2023. Collection method: clinical testing. Allele origin: germline.